The following is an entry in ClinVar:

NM_138694.4(PKHD1):c.703_704insATAAA (p.Gly235fs)

Gene: PKHD1 (PKHD1 ciliary IPT domain containing fibrocystin/polyductin; minus strand). Cytogenetic location: 6p12.2.
Variant type: Insertion.
Coding change: c.703_704insATAAA on transcript NM_138694.4 (MANE Select); coding-DNA positions 703 to 704, ATAAA inserted.
Protein change: p.Gly235fs; shifts the reading frame from glycine 235.
Molecular consequence: frameshift variant.
Genome position: GRCh38 VCF-style: chr6-52070409-C-CTTTAT. GRCh37 (hg19) VCF-style: chr6-51935207-C-CTTTAT.
Other names: c.703_704insATAAA, p.Gly235fs (NM_170724.3); short protein forms G235fs.
Identifiers: ClinVar variation 1726554 (VCV001726554.2), dbSNP rs2533574371, ClinGen allele CA2580075526.

ClinVar aggregate classification (germline): Likely pathogenic (1 of 4 stars; one submission).

Conditions:
Polycystic kidney disease 4 (PKD4). Also called: POLYCYSTIC KIDNEY AND HEPATIC DISEASE 1; POLYCYSTIC KIDNEY DISEASE, INFANTILE, TYPE I; POLYCYSTIC KIDNEY DISEASE 4 WITH OR WITHOUT POLYCYSTIC LIVER DISEASE; PKD3; Autosomal Recessive Polycystic Kidney Disease – PKHD1. Identifiers: MedGen C4540575, MONDO:0033004, OMIM 263200.

Submission:

Myriad Genetics, Inc.
Classification: Likely pathogenic for Polycystic kidney disease 4. Last evaluated: 2021-12-21. Review status: criteria provided, single submitter. Criteria: Myriad Women's Health Autosomal Recessive and X-Linked Classification Criteria (2021). Collection method: clinical testing. Allele origin: unknown.
Comment: NM_138694.3(PKHD1):c.703_704ins5(G235Dfs*13) is expected to be pathogenic in the context of autosomal recessive polycystic kidney disease, PKHD1-related. This variant is predicted to lead to an abnormal or absent protein product due to the creation of a premature termination codon in PKHD1, a gene where loss-of-function variants are known to be pathogenic. Please note: this variant was assessed in the context of healthy population screening.